The following is an entry in ClinVar:

ClinVar aggregate classification (germline): Pathogenic (0 of 4 stars; one submission).

Conditions:
Vici syndrome (VICIS). Identifiers: Orphanet 1493, MedGen C1855772, MONDO:0009452, OMIM 242840.

Submission:

Department Of Pediatrics And Neonatology, Nagoya City University Graduate School Of Medical Sciences
Classification: Pathogenic for Vici syndrome. Last evaluated: 2016-08-11. Review status: no assertion criteria provided. Collection method: research. Allele origin: germline. Affected: yes. Observed: 1 variant allele.
Comment: This mutation was confirmed compound geterozygosity.

The mutation was identified with targeted resequencing using Ion Ampliseq Custom Panel and Ion PGM Sequencer.

Literature cited by the submitters: PubMed 28615637; PubMed 3344762; PubMed 21965116.

[p.Arg955*;p.?]

Gene: EPG5 (ectopic P-granules 5 autophagy tethering factor; minus strand). Cytogenetic location: 18q12.3-21.1.
Variant type: Variation.
Identifiers: ClinVar variation 267450 (VCV000267450.4).